The following is an entry in ClinVar:

NM_023110.3(FGFR1):c.2465G>A (p.Arg822His)

Gene: FGFR1 (fibroblast growth factor receptor 1; minus strand). Cytogenetic location: 8p11.23.
Variant type: single nucleotide variant.
Coding change: c.2465G>A on transcript NM_023110.3 (MANE Select); coding-DNA position 2465, G replaced by A.
Protein change: p.Arg822His; replaces arginine 822 with histidine.
Molecular consequence: missense variant. On other transcripts: intron variant (3).
Genome position (GRCh38, 1-based): chr8:38,413,632, C>T on the plus strand (G>A on the coding strand, the complement: FGFR1 is on the minus strand). VCF-style: chr8-38413632-C-T. GRCh37 (hg19) VCF-style: chr8-38271150-C-T.
Other names: c.2459G>A, p.Arg820His (NM_001174063.2, NM_001174065.2, NM_015850.4); c.2435G>A, p.Arg812His (NM_001174064.2); c.2198G>A, p.Arg733His (NM_001174066.2, NM_023105.3); c.2558G>A, p.Arg853His (NM_001174067.2); c.2186G>A, p.Arg729His (NM_001354368.2); c.2192G>A, p.Arg731His (NM_023106.3); c.2019+286G>A (NM_001354370.2); c.2286+286G>A (NM_001354367.2); and 1 more; short protein forms R822H, R731H, R733H, R812H, R729H, R820H, R853H.
Identifiers: ClinVar variation 362891 (VCV000362891.16), dbSNP rs758677681, ClinGen allele CA4718064.
Genomic context (GRCh38, chr8:38,413,632, plus strand): 5'-CTGTGGGTGAGGGTTACAGCTGACGGTGGAGTCTGGGGAGGGCGTGTGGGTGGCAGTCAG[C>T]GGCGTTTGAGTCCGCCATTGGCAAGCTGGGCTGGGTGTCGGGGCAGGCAGGGCTCCTCGG-3'
Protein context (NP_075598.2, residues 812-822): AQLANGGLKR[Arg822His]

ClinVar aggregate classification (germline): Conflicting classifications of pathogenicity. Review status: criteria provided, conflicting classifications (1 of 4 stars). 8 submissions from 5 submitters: Uncertain significance (6); Likely benign (1). 1 of the submissions does not count toward it. Last evaluated 2023-11-28.

Conditions:
Craniosynostosis syndrome. Also called: Craniosynostosis. Identifiers: Orphanet 1531, MedGen C0010278, MeSH D003398, MONDO:0015469, HP:0001363.
Trigonocephaly 1 (TRIGNO1). Identifiers: Orphanet 3366, MedGen C0432122, MONDO:0008603, OMIM 190440.
Osteoglophonic dysplasia (OGD). Also called: Osteoglophonic dwarfism. Identifiers: Orphanet 2645, MedGen C0432283, MONDO:0008150, OMIM 166250.
Hypogonadotropic hypogonadism 2 with or without anosmia (HH2). Also called: HYPOGONADOTROPIC HYPOGONADISM 2 WITH OR WITHOUT ANOSMIA, SUSCEPTIBILITY TO; HYPOGONADOTROPIC HYPOGONADISM 2 WITHOUT ANOSMIA, SUSCEPTIBILITY TO; FGFR1-Related GnRH Deficiency (Kallmann Syndrome 2); HYPOGONADOTROPIC HYPOGONADISM 2 WITHOUT ANOSMIA. Identifiers: Orphanet 478, MedGen C1563720, MONDO:0007844, OMIM 147950. Disease mechanism: loss of function.
Jackson-Weiss syndrome (JWS). Also called: CRANIOSYNOSTOSIS, MIDFACIAL HYPOPLASIA, AND FOOT ABNORMALITIES. Identifiers: Orphanet 1540, MedGen C0795998, MONDO:0007400, OMIM 123150. Disease mechanism: loss of function.
Pfeiffer syndrome (ACS5). Also called: ACS V. Identifiers: Orphanet 710, MedGen C0220658, MONDO:0007043, OMIM 101600.
Hartsfield-Bixler-Demyer syndrome (HRTFDS). Also called: FGFR1-Related Hartsfield Syndrome; Holoprosencephaly, ectrodactyly, and bilateral cleft lip/palate; Hartsfield syndrome. Identifiers: Orphanet 2117, MedGen C1845146, MONDO:0014196, OMIM 615465. Disease mechanism: loss of function.
Encephalocraniocutaneous lipomatosis (ECCL). Identifiers: Orphanet 2396, MedGen C0406612, MONDO:0013074, OMIM 613001.
Infertility disorder. Also called: Infertility. Identifiers: MedGen C0021359, MeSH D007246, MONDO:0005047, HP:0000789.

Allele frequency attached by ClinVar (database versions not stated): gnomAD 0.00002; TOPMed 0.00002; gnomAD exomes 0.00003; ExAC 0.00006.
gnomAD v4.1: 48 of 1,607,782 alleles (0.003%); highest among the groups gnomAD compares: South Asian, 0.022%; no homozygotes.

Submissions (8):

GeneDx
Classification: Likely benign. Last evaluated: 2023-11-28. Review status: criteria provided, single submitter. Criteria: GeneDx Variant Classification Process June 2021. Collection method: clinical testing. Allele origin: germline. Affected: yes.
Comment: See Variant Classification Assertion Criteria.

Fulgent Genetics
Classification: Uncertain significance for Pfeiffer syndrome; Jackson-Weiss syndrome; Hypogonadotropic hypogonadism 2 with or without anosmia; Osteoglophonic dysplasia; Trigonocephaly 1; Encephalocraniocutaneous lipomatosis; Hartsfield-Bixler-Demyer syndrome. Last evaluated: 2022-03-09. Review status: criteria provided, single submitter. Criteria: ACMG Guidelines, 2015. Collection method: clinical testing. Allele origin: unknown.

ARUP Laboratories, Molecular Genetics and Genomics, ARUP Laboratories
Classification: Uncertain significance. Last evaluated: 2018-02-08. Review status: criteria provided, single submitter. Criteria: ARUP Molecular Germline Variant Investigation Process. Collection method: clinical testing. Allele origin: germline.
Comment: The FGFR1 c.2465G>A; p.Arg822His variant (rs758677681), to our knowledge, is not reported in the medical literature, gene specific variation databases, nor has it been previously identified by our laboratory. This variant is listed in the genome Aggregation Database (gnomAD) with an overall population frequency of 0.003% (identified on 9 out of 264,128 chromosomes) and is classified as a variant of uncertain significance in ClinVar (ID: 362891). The arginine at position 822 is moderately conserved, considering 12 species, and computational analyses of the effects of the p.Arg822His variant on protein structure and function predict a deleterious effect (SIFT: damaging, PolyPhen-2: possibly damaging). Based on the available information, the clinical significance of the p.Arg822His variant cannot be determined with certainty.

Illumina Laboratory Services, Illumina
Classification: Uncertain significance for Trigonocephaly 1. Last evaluated: 2018-01-13. Review status: criteria provided, single submitter. Criteria: ICSL Variant Classification Criteria 13 December 2019. Collection method: clinical testing. Allele origin: germline.

Illumina Laboratory Services, Illumina
Classification: Uncertain significance for Osteoglophonic dysplasia. Last evaluated: 2018-01-13. Review status: criteria provided, single submitter. Criteria: ICSL Variant Classification Criteria 13 December 2019. Collection method: clinical testing. Allele origin: germline.

Illumina Laboratory Services, Illumina
Classification: Uncertain significance for Craniosynostosis. Last evaluated: 2018-01-13. Review status: criteria provided, single submitter. Criteria: ICSL Variant Classification Criteria 13 December 2019. Collection method: clinical testing. Allele origin: germline.

Illumina Laboratory Services, Illumina
Classification: Uncertain significance for Hypogonadotropic hypogonadism 2 with or without anosmia. Last evaluated: 2018-01-13. Review status: criteria provided, single submitter. Criteria: ICSL Variant Classification Criteria 13 December 2019. Collection method: clinical testing. Allele origin: germline.

MAGI's Lab - Research, MAGI Group
Classification: Uncertain significance for Infertility disorder. Review status: no assertion criteria provided. Collection method: provider interpretation. Allele origin: germline. Affected: yes. Not counted in ClinVar's aggregate classification.